The following is an entry in ClinVar:

NM_001267550.2(TTN):c.29115G>A (p.Gln9705=)

Gene: TTN (titin; minus strand). Cytogenetic location: 2q31.2.
Variant type: single nucleotide variant.
Coding change: c.29115G>A on transcript NM_001267550.2 (MANE Select); coding-DNA position 29115, G replaced by A.
Protein change: p.Gln9705=; no amino-acid change (glutamine 9705 retained).
Molecular consequence: synonymous variant. On other transcripts: intron variant (3).
Genome position (GRCh38, 1-based): chr2:178,706,881, C>T on the plus strand (G>A on the coding strand, the complement: TTN is on the minus strand). VCF-style: chr2-178706881-C-T. GRCh37 (hg19) VCF-style: chr2-179571608-C-T.
Other names: c.28164G>A, p.Gln9388= (NM_001256850.1); c.25383G>A, p.Gln8461= (NM_133378.4); c.13282+31201G>A (NM_003319.4); c.13858+31201G>A (NM_133437.4); c.13657+31201G>A (NM_133432.3).
Identifiers: ClinVar variation 509597 (VCV000509597.10), dbSNP rs773659138, ClinGen allele CA1999459.
Genomic context (GRCh38, chr2:178,706,881, plus strand): 5'-ATAAGATAGATGAAGATGTACTTCTCATGAAGTGCACTTACTTTCTACGACTCTGATACT[C>T]TGAGGTTCTGACACAAAAAAGAGTCTTCCATCTACCGCAGCTTTCTTGGTTGCTGGGGCC-3'
Protein context (NP_001254479.2, residues 9695-9715): DGRLFFVSEP[Gln9705=]SIRVVEKTTA

ClinVar aggregate classification (germline): Likely benign. Review status: criteria provided, multiple submitters, no conflicts (2 of 4 stars). 2 submissions from 2 submitters: Likely benign (2). Last evaluated 2025-12-13.

Conditions:
Dilated cardiomyopathy 1G (CMD1G). Identifiers: Orphanet 154, MedGen C1858763, MONDO:0011400, OMIM 604145.
Autosomal recessive limb-girdle muscular dystrophy type 2J (LGMDR10). Also called: Limb-girdle muscular dystrophy, type 2J; MUSCULAR DYSTROPHY, LIMB-GIRDLE, AUTOSOMAL RECESSIVE 10. Identifiers: Orphanet 140922, MedGen C1837342, MONDO:0012127, OMIM 608807.

Allele frequency attached by ClinVar (database versions not stated): gnomAD 0.00001; TOPMed 0.00001; gnomAD exomes 0.00004 and 0.00006; ExAC 0.00009.
gnomAD v4.1: 59 of 1,612,350 alleles (0.0037%); highest among the groups gnomAD compares: East Asian, 0.13%; no homozygotes.

Submissions (2):

Labcorp Genetics (formerly Invitae), Labcorp
Classification: Likely benign for Dilated cardiomyopathy 1G; Autosomal recessive limb-girdle muscular dystrophy type 2J. Last evaluated: 2025-12-13. Review status: criteria provided, single submitter. Criteria: Invitae Variant Classification Sherloc (09022015). Collection method: clinical testing. Allele origin: germline.

GeneDx
Classification: Likely benign. Last evaluated: 2017-05-11. Review status: criteria provided, single submitter. Criteria: GeneDx Variant Classification (06012015). Collection method: clinical testing. Allele origin: germline. Affected: yes.
Comment: This variant is considered likely benign or benign based on one or more of the following criteria: it is a conservative change, it occurs at a poorly conserved position in the protein, it is predicted to be benign by multiple in silico algorithms, and/or has population frequency not consistent with disease.